The following is an entry in ClinVar:

ClinVar aggregate classification (germline): Pathogenic (0 of 4 stars; one submission).

Conditions:
Fanconi anemia complementation group A (FANCA). Also called: Fanconi anemia, group A; FANCA-Related Fanconi Anemia. Identifiers: Orphanet 84, MedGen C3469521, MONDO:0009215, OMIM 227650.

Submission:

Leiden Open Variation Database
Classification: Pathogenic for Fanconi anemia complementation group A. Last evaluated: 2020-02-28. Review status: no assertion criteria provided. Collection method: curation. Allele origin: germline. Affected: yes.
Comment: Curator: Arleen D. Auerbach. Submitter to LOVD: Arleen D. Auerbach.

Literature cited by the submitters: PubMed 25168418.

NC_000016.10:g.88335235_88340023del

Gene: ZNF469 (zinc finger protein 469; plus strand). Cytogenetic location: 16q24.2.
Variant type: Deletion.
Genome position: GRCh38: chr16:88,335,235-88,340,023. GRCh37 (hg19): chr16:88,368,841-88,373,629.
Other names: NM_000135.2:c.1715+152_1900+813del.
Identifiers: ClinVar variation 974021 (VCV000974021.2), ClinGen allele CA1139664856.